The following is an entry in ClinVar:

NM_001032283.3(TMPO):c.299A>G (p.Asp100Gly)

Gene: TMPO (thymopoietin; plus strand). Cytogenetic location: 12q23.1.
Variant type: single nucleotide variant.
Coding change: c.299A>G on transcript NM_001032283.3 (MANE Select); coding-DNA position 299, A replaced by G.
Protein change: p.Asp100Gly; replaces aspartic acid 100 with glycine.
Molecular consequence: missense variant.
Genome position (GRCh38, 1-based): chr12:98,527,905, A>G. VCF-style: chr12-98527905-A-G. GRCh37 (hg19) VCF-style: chr12-98921683-A-G.
Other names: c.299A>G, p.Asp100Gly (NM_001032284.3, NM_001307975.2, NM_003276.2); short protein forms D100G.
Identifiers: ClinVar variation 3458753 (VCV003458753.1).

ClinVar aggregate classification (germline): Uncertain significance (1 of 4 stars; one submission).

Submission:

Ambry Genetics
Classification: Uncertain significance. Last evaluated: 2024-08-23. Review status: criteria provided, single submitter. Criteria: Ambry Variant Classification Scheme 2023. Collection method: clinical testing. Allele origin: germline.
Comment: The p.D100G variant (also known as c.299A>G), located in coding exon 2 of the TMPO gene, results from an A to G substitution at nucleotide position 299. The aspartic acid at codon 100 is replaced by glycine, an amino acid with similar properties. This amino acid position is conserved. In addition, the in silico prediction for this alteration is inconclusive. Based on the available evidence, the clinical significance of this variant remains unclear.